The following is an entry in ClinVar:

NM_001197104.2(KMT2A):c.5332del (p.Arg1778fs)

Gene: KMT2A (lysine methyltransferase 2A; plus strand). Cytogenetic location: 11q23.3.
Variant type: Deletion.
Coding change: c.5332del on transcript NM_001197104.2 (MANE Select); coding-DNA position 5332, one base deleted (A; older notation c.5332delA).
Protein change: p.Arg1778fs; shifts the reading frame from arginine 1778.
Molecular consequence: frameshift variant.
Genome position (GRCh38, 1-based): chr11:118,494,736, A deleted. VCF-style (leftmost placement, unchanged base first): chr11-118494735-CA-C. GRCh37 (hg19) VCF-style: chr11-118365450-CA-C.
Other names: c.5422delA, p.Arg1808Glyfs (NM_001412597.1); c.5323del, p.Arg1775fs (NM_005933.4); short protein forms R1775fs, R1778fs.
Identifiers: ClinVar variation 1711328 (VCV001711328.30), dbSNP rs2496938310, ClinGen allele CA2580083710.
Genomic context (GRCh38, chr11:118,494,735, plus strand): 5'-TGTTTGTGTTTTCTTTTAGCAAATGGAACGTGTTTTTCCATGGTTCAGTGTCAAAAAGTC[CA>C]GGTTTTGGGAGCCAAATAAAGTATCAAGCAAGTAAGTGAATTTAGCATAACTTTTTTTTC-3'

ClinVar aggregate classification (germline): Pathogenic (1 of 4 stars; one submission).

Submission:

CeGaT Center for Human Genetics Tuebingen
Classification: Pathogenic. Last evaluated: 2022-08-01. Review status: criteria provided, single submitter. Criteria: CeGaT Center For Human Genetics Tuebingen Variant Classification Criteria Version 2. Collection method: clinical testing. Allele origin: germline. Affected: yes. Observed: 1 variant allele.
Comment: KMT2A: PVS1, PM2